The following is an entry in ClinVar:

NC_000012.11:g.(122745995_122748118)_(122751042_?)dup

Gene: VPS33A (VPS33A core subunit of CORVET and HOPS complexes; minus strand). Cytogenetic location: 12q24.31.
Variant type: Duplication.
Identifiers: ClinVar variation 3063631 (VCV003063631.1).

ClinVar aggregate classification (germline): Uncertain significance (1 of 4 stars; one submission).

Submission:

Women's Health and Genetics/Laboratory Corporation of America, LabCorp
Classification: Uncertain significance. Last evaluated: 2024-01-22. Review status: criteria provided, single submitter. Criteria: LabCorp Variant Classification Summary - May 2015. Collection method: clinical testing. Allele origin: germline.
Comment: Variant summary: The variant involves the duplication of exons 1-3 in the VPS33A gene. A presumed nomenclature of c.(?_-87)_(296+1_297-1)dup has been designated for the purposes of this classification. The exact breakpoint at the 5' end of this variant is unknown, therefore this duplication may extend upstream of the annotated region of this gene. It is predicted to duplicate a segment including the initiation codon, therefore its impact on the encoded protein is unknown. A large duplication variant allele which covers exon 1-3 of the VPS33A gene was found at a frequency of 0.00092 in 441642 control chromosomes, predominantly at a frequency of 0.0026 within the Latino subpopulation in the gnomAD database in the gnomAD database (CNVs v4.0 dataset; zygosity not specified). The relatively high frequency suggests that this duplication is likely not associated with high penetrance, severe disease phenotype in heterozygous state. To our knowledge, no occurrence of c.(?_-87)_(296+1_297-1)dup in individuals affected with Mucopolysaccharidosis-Plus Syndrome and no experimental evidence demonstrating its impact on protein function have been reported. ClinVar contains an entry for this variant (Variation ID: 1434118). Based on the evidence outlined above, the variant was classified as uncertain significance.